The following is an entry in ClinVar:

ClinVar aggregate classification (germline): Likely pathogenic. Review status: criteria provided, multiple submitters, no conflicts (2 of 4 stars). 3 submissions from 3 submitters: Likely pathogenic (2). 1 of the submissions does not count toward it. Last evaluated 2023-04-28.

Conditions:
Familial thoracic aortic aneurysm and aortic dissection (TAAD). Also called: Thoracic aortic aneurysms and dissections. Identifiers: Orphanet 91387, MedGen C4707243, MONDO:0019625.
Marfan syndrome (MFS). Also called: Marfan syndrome type 1; Marfan syndrome, classic; Marfan's syndrome; FBN1-Related Marfan Syndrome; MARFAN SYNDROME, TYPE I. Identifiers: Orphanet 284963, Orphanet 558, MedGen C0024796, MONDO:0007947, OMIM 154700.
FBN1-related disorder. Also called: FBN1-related disorders.

Submissions (3):

Labcorp Genetics (formerly Invitae), Labcorp
Classification: Likely pathogenic for Marfan syndrome; Familial thoracic aortic aneurysm and aortic dissection. Last evaluated: 2023-04-28. Review status: criteria provided, single submitter. Criteria: Invitae Variant Classification Sherloc (09022015). Collection method: clinical testing. Allele origin: germline.
Comment: This sequence change replaces cysteine, which is neutral and slightly polar, with tyrosine, which is neutral and polar, at codon 2672 of the FBN1 protein (p.Cys2672Tyr). This variant is not present in population databases (gnomAD no frequency). In summary, the currently available evidence indicates that the variant is pathogenic, but additional data are needed to prove that conclusively. Therefore, this variant has been classified as Likely Pathogenic. This variant disrupts the p.Cys2672 amino acid residue in FBN1. Other variant(s) that disrupt this residue have been observed in individuals with FBN1-related conditions (PMID: 28321935), which suggests that this may be a clinically significant amino acid residue. This variant affects a cysteine residue in the EGF-like, TGFBP or hybrid motif domains of FBN1. Cysteine residues are believed to be involved in intramolecular disulfide bridges and have been shown to be important for FBN1 protein structure (PMID: 16905551, 19349279). In addition, missense substitutions affecting cysteine residues within these domains are significantly overrepresented among patients with Marfan syndrome (PMID: 16571647, 17701892). Advanced modeling of protein sequence and biophysical properties (such as structural, functional, and spatial information, amino acid conservation, physicochemical variation, residue mobility, and thermodynamic stability) performed at Invitae indicates that this missense variant is expected to disrupt FBN1 protein function. ClinVar contains an entry for this variant (Variation ID: 549449). This missense change has been observed in individual(s) with Marfan syndrome (PMID: 26787436).

Blueprint Genetics
Classification: Likely pathogenic for FBN1-related disorders. Last evaluated: 2019-08-29. Review status: criteria provided, single submitter. Criteria: ACMG Guidelines, 2015. Collection method: clinical testing. Allele origin: germline. Affected: yes. Observed: 1 variant allele.

Center for Medical Genetics Ghent, University of Ghent
Classification: Likely pathogenic for Marfan syndrome. Last evaluated: 2017-11-07. Review status: no assertion criteria provided. Collection method: clinical testing. Allele origin: germline. Affected: yes. Not counted in ClinVar's aggregate classification.

Literature cited by the submitters: PubMed 28321935 (cited by Labcorp Genetics (formerly Invitae), Labcorp); PubMed 16905551 (cited by Labcorp Genetics (formerly Invitae), Labcorp); PubMed 19349279 (cited by Labcorp Genetics (formerly Invitae), Labcorp); PubMed 16571647 (cited by Labcorp Genetics (formerly Invitae), Labcorp); PubMed 17701892 (cited by Labcorp Genetics (formerly Invitae), Labcorp); PubMed 26787436 (cited by Labcorp Genetics (formerly Invitae), Labcorp).

NM_000138.5(FBN1):c.8015G>A (p.Cys2672Tyr)

Gene: FBN1 (fibrillin 1; minus strand). Cytogenetic location: 15q21.1.
Variant type: single nucleotide variant.
Coding change: c.8015G>A on transcript NM_000138.5 (MANE Select); coding-DNA position 8015, G replaced by A.
Protein change: p.Cys2672Tyr; replaces cysteine 2672 with tyrosine.
Molecular consequence: missense variant.
Genome position (GRCh38, 1-based): chr15:48,415,572, C>T on the plus strand (G>A on the coding strand, the complement: FBN1 is on the minus strand). VCF-style: chr15-48415572-C-T. GRCh37 (hg19) VCF-style: chr15-48707769-C-T.
Other names: short protein forms C2672Y.
Identifiers: ClinVar variation 549449 (VCV000549449.5), dbSNP rs1555393831, ClinGen allele CA392322646.